The following is an entry in ClinVar:

ClinVar aggregate classification (germline): Conflicting classifications of pathogenicity. Review status: criteria provided, conflicting classifications (1 of 4 stars). 6 submissions from 6 submitters: Uncertain significance (5); Benign (1). Last evaluated 2026-02-10.

Conditions:
PMS2-related disorder. Also called: PMS2-related condition.
Hereditary nonpolyposis colorectal neoplasms. Identifiers: MedGen C0009405, MeSH D003123.
Hereditary cancer-predisposing syndrome. Also called: Neoplastic Syndromes, Hereditary; Tumor predisposition; Hereditary Cancer Syndrome; Hereditary neoplastic syndrome. Identifiers: Orphanet 140162, MedGen C0027672, MeSH D009386, MONDO:0015356.
Lynch syndrome 4 (LYNCH4). Also called: Colorectal cancer, hereditary nonpolyposis, type 4; Hereditary non-polyposis colorectal cancer, type 4. Identifiers: Orphanet 144, MedGen C1838333, MONDO:0013699, OMIM 614337. Disease mechanism: loss of function.

Allele frequency attached by ClinVar (database versions not stated): gnomAD exomes 0.00001 and 0.00003; ExAC 0.00002; ESP Exome Variant Server 0.00008.
gnomAD v4.1: 10 of 1,613,394 alleles (0.00062%); highest among the groups gnomAD compares: Admixed American, 0.013%; no homozygotes.

Submissions (6):

PreventionGenetics, part of Exact Sciences
Classification: Uncertain significance for PMS2-related condition. Last evaluated: 2026-02-10. Review status: criteria provided, single submitter. Criteria: ACMG Guidelines, 2015. Collection method: clinical testing. Allele origin: germline.
Comment: The PMS2 c.886C>T variant is predicted to result in the amino acid substitution p.Pro296Ser. To our knowledge, this variant has not been reported in the literature in individuals with PMS2 associated conditions. This variant is reported in 0.020% of alleles in individuals of Latino descent in gnomAD. This variant is interpreted as uncertain in ClinVar (Variation ID: 411034). At this time, the clinical significance of this variant is uncertain due to the absence of conclusive functional and genetic evidence.

Labcorp Genetics (formerly Invitae), Labcorp
Classification: Benign for Hereditary nonpolyposis colorectal neoplasms. Last evaluated: 2025-12-09. Review status: criteria provided, single submitter. Criteria: Invitae Variant Classification Sherloc (09022015). Collection method: clinical testing. Allele origin: germline.

Baylor Genetics
Classification: Uncertain significance for Lynch syndrome 4. Last evaluated: 2024-03-26. Review status: criteria provided, single submitter. Criteria: ACMG Guidelines, 2015. Collection method: clinical testing. Allele origin: unknown.

Color Diagnostics, LLC DBA Color Health
Classification: Uncertain significance for Hereditary cancer-predisposing syndrome. Last evaluated: 2023-11-16. Review status: criteria provided, single submitter. Criteria: ACMG Guidelines, 2015. Collection method: clinical testing. Allele origin: germline.
Comment: This missense variant replaces proline with serine at codon 296 of the PMS2 protein. Computational prediction suggests that this variant may have deleterious impact on protein structure and function (internally defined REVEL score threshold >= 0.7, PMID: 27666373). To our knowledge, functional studies have not been reported for this variant. This variant has not been reported in individuals affected with PMS2-related disorders in the literature. This variant has been identified in 7/251364 chromosomes in the general population by the Genome Aggregation Database (gnomAD). The available evidence is insufficient to determine the role of this variant in disease conclusively. Therefore, this variant is classified as a Variant of Uncertain Significance.

Ambry Genetics
Classification: Uncertain significance for Hereditary cancer-predisposing syndrome. Last evaluated: 2023-09-06. Review status: criteria provided, single submitter. Criteria: Ambry Variant Classification Scheme 2023. Collection method: clinical testing. Allele origin: germline.
Comment: The p.P296S variant (also known as c.886C>T), located in coding exon 8 of the PMS2 gene, results from a C to T substitution at nucleotide position 886. The proline at codon 296 is replaced by serine, an amino acid with similar properties. In one study, this variant was detected in 0/165 colorectal cancer and/or polyposis patients and was identified in 1/2512 control individuals from a healthy population database (Rosenthal EA et al. Hum Genet, 2018 Oct;137:795-806). This amino acid position is highly conserved in available vertebrate species. In addition, this alteration is predicted to be deleterious by in silico analysis. Since supporting evidence is limited at this time, the clinical significance of this alteration remains unclear.

GeneDx
Classification: Uncertain significance. Last evaluated: 2021-09-08. Review status: criteria provided, single submitter. Criteria: GeneDx Variant Classification Process June 2021. Collection method: clinical testing. Allele origin: germline. Affected: yes.
Comment: In silico analysis supports that this missense variant has a deleterious effect on protein structure/function; Has not been previously published as pathogenic or benign to our knowledge; This variant is associated with the following publications: (PMID: 11574484)

Literature cited by the submitters: PubMed 30267214 (cited by Ambry Genetics).

NM_000535.7(PMS2):c.886C>T (p.Pro296Ser)

Gene: PMS2 (PMS1 homolog 2, mismatch repair system component; minus strand). Cytogenetic location: 7p22.1.
Variant type: single nucleotide variant.
Coding change: c.886C>T on transcript NM_000535.7 (MANE Select); coding-DNA position 886, C replaced by T.
Protein change: p.Pro296Ser; replaces proline 296 with serine.
Molecular consequence: missense variant. On other transcripts: 5 prime UTR variant (2), non-coding transcript variant (1).
Genome position (GRCh38, 1-based): chr7:5,995,551, G>A on the plus strand (C>T on the coding strand, the complement: PMS2 is on the minus strand). VCF-style: chr7-5995551-G-A. GRCh37 (hg19) VCF-style: chr7-6035182-G-A.
Other names: c.481C>T, p.Pro161Ser (NM_001322003.2, NM_001322004.2, NM_001322005.2 and 2 more transcripts); c.886C>T, p.Pro296Ser (NM_001322006.2, NM_001322014.2); c.568C>T, p.Pro190Ser (NM_001322007.2, NM_001322008.2); c.-48C>T (NM_001322011.2, NM_001322012.2); c.313C>T, p.Pro105Ser (NM_001322013.2); c.577C>T, p.Pro193Ser (NM_001322015.2); short protein forms P296S, P105S, P161S, P193S, P190S.
Identifiers: ClinVar variation 411034 (VCV000411034.25), dbSNP rs375553553, ClinGen allele CA052116.